The following is an entry in ClinVar:

ClinVar aggregate classification (germline): Likely benign. Review status: criteria provided, single submitter (1 of 4 stars). 2 submissions from 2 submitters: Likely benign (1). 1 of the submissions does not count toward it. Last evaluated 2026-01-17.

Conditions:
Lymphoproliferative syndrome 1 (LPFS1). Identifiers: Orphanet 238505, Orphanet 538963, MedGen C3552634, MONDO:0013081, OMIM 613011.
ITK-related disorder. Also called: ITK-related condition.

Allele frequency attached by ClinVar (database versions not stated): gnomAD exomes 0.00001; TOPMed 0.00002; ExAC 0.00003; gnomAD 0.00003.
gnomAD v4.1: 25 of 1,606,250 alleles (0.0016%); highest among the groups gnomAD compares: Middle Eastern, 0.017%; no homozygotes.

Submissions (2):

Labcorp Genetics (formerly Invitae), Labcorp
Classification: Likely benign for Lymphoproliferative syndrome 1. Last evaluated: 2026-01-17. Review status: criteria provided, single submitter. Criteria: Invitae Variant Classification Sherloc (09022015). Collection method: clinical testing. Allele origin: germline.

PreventionGenetics, part of Exact Sciences
Classification: Likely benign for ITK-related condition. Last evaluated: 2019-03-12. Review status: no assertion criteria provided. Collection method: clinical testing. Allele origin: germline. Not counted in ClinVar's aggregate classification.
Comment: This variant is classified as likely benign based on ACMG/AMP sequence variant interpretation guidelines (Richards et al. 2015 PMID: 25741868, with internal and published modifications).

NM_005546.4(ITK):c.681G>A (p.Val227=)

Gene: ITK (IL2 inducible T cell kinase; plus strand). Cytogenetic location: 5q33.3.
Variant type: single nucleotide variant.
Coding change: c.681G>A on transcript NM_005546.4 (MANE Select); coding-DNA position 681, G replaced by A.
Protein change: p.Val227=; no amino-acid change (valine 227 retained).
Molecular consequence: synonymous variant.
Genome position (GRCh38, 1-based): chr5:157,228,329, G>A. VCF-style: chr5-157228329-G-A. GRCh37 (hg19) VCF-style: chr5-156655339-G-A.
Identifiers: ClinVar variation 2726271 (VCV002726271.5), dbSNP rs760264249, ClinGen allele CA3532852.